The following is an entry in ClinVar:

NM_004387.4(NKX2-5):c.770C>T (p.Pro257Leu)

Gene: NKX2-5 (NK2 homeobox 5; minus strand). Cytogenetic location: 5q35.1.
Variant type: single nucleotide variant.
Coding change: c.770C>T on transcript NM_004387.4 (MANE Select); coding-DNA position 770, C replaced by T.
Protein change: p.Pro257Leu; replaces proline 257 with leucine.
Molecular consequence: missense variant. On other transcripts: 3 prime UTR variant (2).
Genome position (GRCh38, 1-based): chr5:173,232,774, G>A on the plus strand (C>T on the coding strand, the complement: NKX2-5 is on the minus strand). VCF-style: chr5-173232774-G-A. GRCh37 (hg19) VCF-style: chr5-172659777-G-A.
Other names: c.*723C>T (NM_001166175.2); c.*569C>T (NM_001166176.2); short protein forms P257L.
Identifiers: ClinVar variation 1760255 (VCV001760255.3), dbSNP rs770484529, ClinGen allele CA3563643.

ClinVar aggregate classification (germline): Uncertain significance (1 of 4 stars; one submission).

Conditions:
Cardiovascular phenotype. Identifiers: MedGen CN230736.

Allele frequency attached by ClinVar (database versions not stated): ExAC 0.00001; gnomAD exomes below 0.00001.
gnomAD v4.1: 1 of 1,609,892 alleles (0.000062%); highest among the groups gnomAD compares: East Asian, 0.0022%; no homozygotes.

Submission:

Ambry Genetics
Classification: Uncertain significance for Cardiovascular phenotype. Last evaluated: 2025-05-24. Review status: criteria provided, single submitter. Criteria: Ambry Variant Classification Scheme 2023. Collection method: clinical testing. Allele origin: germline.
Comment: The p.P257L variant (also known as c.770C>T), located in coding exon 2 of the NKX2-5 gene, results from a C to T substitution at nucleotide position 770. The proline at codon 257 is replaced by leucine, an amino acid with similar properties. This amino acid position is not well conserved in available vertebrate species. In addition, this alteration is predicted to be tolerated by in silico analysis. Since supporting evidence is limited at this time, the clinical significance of this alteration remains unclear.